The following is an entry in ClinVar:

ClinVar aggregate classification (germline): Uncertain significance (1 of 4 stars; one submission).

Conditions:
Multiple congenital anomalies-hypotonia-seizures syndrome 1 (MCAHS1). Also called: GLYCOSYLPHOSPHATIDYLINOSITOL BIOSYNTHESIS DEFECT 3; PIGN-CDG; Congenital disorder of glycosylation due to PIGN deficiency. Identifiers: Orphanet 280633, MedGen C3279775, MONDO:0013563, OMIM 614080.

Submission:

Johns Hopkins Genomics, Johns Hopkins University
Classification: Uncertain significance for Multiple congenital anomalies-hypotonia-seizures syndrome 1. Last evaluated: 2021-06-14. Review status: criteria provided, single submitter. Criteria: ACMG Guidelines, 2015. Collection method: clinical testing. Allele origin: germline.
Comment: PIGN c.1251+6_1251+7delinsCTATTTATGTC is absent from a large population dataset and has not been reported in ClinVar nor the literature, to our knowledge. Bioinformatic analysis predicts that this intronic variant would not have a significant impact on normal exon 15 splicing, however this has not been confirmed experimentally to our knowledge. We consider the clinical significance of PIGN c.1251+6_1251+7delinsCTATTTATGTC to be uncertain at this time.

NM_176787.5(PIGN):c.1251+6_1251+7delinsCTATTTATGTC

Gene: PIGN (phosphatidylinositol glycan anchor biosynthesis class N; minus strand). Cytogenetic location: 18q21.33.
Variant type: Indel.
Coding change: c.1251+6_1251+7delinsCTATTTATGTC on transcript NM_176787.5 (MANE Select); bases 6 to 7 of the intron after coding-DNA position 1251, TA replaced by CTATTTATGTC.
Molecular consequence: intron variant.
Genome position (GRCh38, 1-based): chr18:62,114,554-62,114,555, TA replaced by GACATAAATAG on the plus strand (TA replaced by CTATTTATGTC on the coding strand, the reverse complement: PIGN is on the minus strand). VCF-style: chr18-62114554-TA-GACATAAATAG. GRCh37 (hg19) VCF-style: chr18-59781787-TA-GACATAAATAG.
Other names: c.1251+6_1251+7delinsCTATTTATGTC (NM_012327.6).
Identifiers: ClinVar variation 1185038 (VCV001185038.1), dbSNP rs2146609429, ClinGen allele CA2499225238.
Genomic context (GRCh38, chr18:62,114,554, plus strand): 5'-TATTTTTCTCCTCTCCATCCCCAAAATGATAATCAGCTATTTATGTCTATAAGGCCGGTA[TA>GACATAAATAG]CTTACCACTTCATCAAACTTTCTGTGTTTTATATAAGATCTTGCTTTTCTTAAAATGTTG-3'